The following is an entry in ClinVar:

ClinVar aggregate classification (germline): Uncertain significance (1 of 4 stars; one submission).

Conditions:
Epidermolysis bullosa simplex with nail dystrophy (EBS5D). Identifiers: MedGen C4225309, MONDO:0014661, OMIM 616487.
Autosomal recessive limb-girdle muscular dystrophy type 2Q (LGMDR17). Also called: MUSCULAR DYSTROPHY, LIMB-GIRDLE, AUTOSOMAL RECESSIVE 17. Identifiers: Orphanet 254361, MedGen C3150989, MONDO:0013390, OMIM 613723.
Epidermolysis bullosa simplex 5B, with muscular dystrophy (EBS5B). Also called: Epidermolysis bullosa simplex with muscular dystrophy; EPIDERMOLYSIS BULLOSA SIMPLEX AND LIMB-GIRDLE MUSCULAR DYSTROPHY. Identifiers: Orphanet 257, MedGen C2931072, MONDO:0009181, OMIM 226670.
Epidermolysis bullosa simplex 5C, with pyloric atresia (EBS5C). Also called: PLEC-Related Epidermolysis Bullosa with Pyloric Atresia; Epidermolysis bullosa simplex with pyloric atresia; PLEC1-Related Epidermolysis Bullosa with Pyloric Atresia. Identifiers: Orphanet 158684, MedGen C2677349, MONDO:0012807, OMIM 612138.
Epidermolysis bullosa simplex, Ogna type (EBS5A). Also called: Pidermolysis bullosa simplex 5A, Ogna type; EPIDERMOLYSIS BULLOSA SIMPLEX 5A, OGNA TYPE. Identifiers: Orphanet 79401, MedGen C0432317, MONDO:0007555, OMIM 131950.

gnomAD v4.1: 12 of 1,612,618 alleles (0.00074%); highest among the groups gnomAD compares: East Asian, 0.0022%; no homozygotes.

Submission:

Labcorp Genetics (formerly Invitae), Labcorp
Classification: Uncertain significance for Autosomal recessive limb-girdle muscular dystrophy type 2Q; Epidermolysis bullosa simplex, Ogna type; Epidermolysis bullosa simplex with nail dystrophy; Epidermolysis bullosa simplex 5C, with pyloric atresia; Epidermolysis bullosa simplex 5B, with muscular dystrophy. Last evaluated: 2025-01-23. Review status: criteria provided, single submitter. Criteria: Invitae Variant Classification Sherloc (09022015). Collection method: clinical testing. Allele origin: germline.
Comment: This sequence change replaces glutamine, which is neutral and polar, with arginine, which is basic and polar, at codon 2995 of the PLEC protein (p.Gln2995Arg). This variant is present in population databases (rs782042775, gnomAD 0.006%). This variant has not been reported in the literature in individuals affected with PLEC-related conditions. An algorithm developed to predict the effect of missense changes on protein structure and function outputs the following: PolyPhen-2: "Benign". The arginine amino acid residue is found in multiple mammalian species, which suggests that this missense change does not adversely affect protein function. In summary, the available evidence is currently insufficient to determine the role of this variant in disease. Therefore, it has been classified as a Variant of Uncertain Significance.

NM_201384.3(PLEC):c.8903A>G (p.Gln2968Arg)

Gene: PLEC (plectin; minus strand). Cytogenetic location: 8q24.3.
Variant type: single nucleotide variant.
Coding change: c.8903A>G on transcript NM_201384.3 (MANE Select); coding-DNA position 8903, A replaced by G.
Protein change: p.Gln2968Arg; replaces glutamine 2968 with arginine.
Molecular consequence: missense variant.
Genome position (GRCh38, 1-based): chr8:143,920,918, T>C on the plus strand (A>G on the coding strand, the complement: PLEC is on the minus strand). VCF-style: chr8-143920918-T-C. GRCh37 (hg19) VCF-style: chr8-144995086-T-C.
Other names: c.8984A>G, p.Gln2995Arg (NM_000445.5); c.5603A>G, p.Gln1868Arg (NM_001410941.1); c.8861A>G, p.Gln2954Arg (NM_201378.4); c.8837A>G, p.Gln2946Arg (NM_201379.3); c.9314A>G, p.Gln3105Arg (NM_201380.4); c.8807A>G, p.Gln2936Arg (NM_201381.3); c.8903A>G, p.Gln2968Arg (NM_201382.4); c.8915A>G, p.Gln2972Arg (NM_201383.3); short protein forms Q1868R, Q2936R, Q2946R, Q2954R, Q2968R, Q2972R, Q2995R, Q3105R.
Identifiers: ClinVar variation 3749754 (VCV003749754.2).